The following is an entry in ClinVar:

NM_004958.4(MTOR):c.5552G>C (p.Ser1851Thr)

Gene: MTOR (mechanistic target of rapamycin kinase; minus strand). Cytogenetic location: 1p36.22.
Variant type: single nucleotide variant.
Coding change: c.5552G>C on transcript NM_004958.4 (MANE Select); coding-DNA position 5552, G replaced by C.
Protein change: p.Ser1851Thr; replaces serine 1851 with threonine.
Molecular consequence: missense variant.
Genome position (GRCh38, 1-based): chr1:11,130,590, C>G on the plus strand (G>C on the coding strand, the complement: MTOR is on the minus strand). VCF-style: chr1-11130590-C-G. GRCh37 (hg19) VCF-style: chr1-11190647-C-G.
Other names: c.5552G>C, p.Ser1851Thr (NM_001386500.1); c.4304G>C, p.Ser1435Thr (NM_001386501.1); short protein forms S1435T, S1851T.
Identifiers: ClinVar variation 2785935 (VCV002785935.3), dbSNP rs1329245572, ClinGen allele CA338398287.

ClinVar aggregate classification (germline): Uncertain significance (1 of 4 stars; one submission).

Allele frequency attached by ClinVar (database versions not stated): gnomAD 0.00001.
gnomAD v4.1: 3 of 1,613,752 alleles (0.00019%); highest among the groups gnomAD compares: African/African-American, 0.0013%; no homozygotes.

Submission:

Labcorp Genetics (formerly Invitae), Labcorp
Classification: Uncertain significance. Last evaluated: 2025-01-28. Review status: criteria provided, single submitter. Criteria: Invitae Variant Classification Sherloc (09022015). Collection method: clinical testing. Allele origin: germline.
Comment: This sequence change replaces serine, which is neutral and polar, with threonine, which is neutral and polar, at codon 1851 of the MTOR protein (p.Ser1851Thr). This variant is present in population databases (no rsID available, gnomAD 0.01%). This variant has not been reported in the literature in individuals affected with MTOR-related conditions. ClinVar contains an entry for this variant (Variation ID: 2785935). Invitae Evidence Modeling of protein sequence and biophysical properties (such as structural, functional, and spatial information, amino acid conservation, physicochemical variation, residue mobility, and thermodynamic stability) indicates that this missense variant is not expected to disrupt MTOR protein function with a negative predictive value of 95%. In summary, the available evidence is currently insufficient to determine the role of this variant in disease. Therefore, it has been classified as a Variant of Uncertain Significance.